The following is an entry in ClinVar:

ClinVar aggregate classification (germline): Uncertain significance (1 of 4 stars; one submission).

Conditions:
Myoclonic dystonia 11 (DYT11). Also called: Myoclonic dystonia; Dystonia 11; Dystonia, alcohol responsive; Hereditary essential myoclonus; SGCE Myoclonus-Dystonia; Myoclonus-Dystonia. Identifiers: Orphanet 36899, MedGen C1834570, MONDO:0008044, OMIM 159900.

Submission:

Labcorp Genetics (formerly Invitae), Labcorp
Classification: Uncertain significance for Myoclonic dystonia 11. Last evaluated: 2025-07-23. Review status: criteria provided, single submitter. Criteria: Invitae Variant Classification Sherloc (09022015). Collection method: clinical testing. Allele origin: germline.
Comment: This sequence change creates a premature translational stop signal (p.Tyr436*) in the SGCE gene. While this is not anticipated to result in nonsense mediated decay, it is expected to disrupt the last 2 amino acid(s) of the SGCE protein. This variant is not present in population databases (gnomAD no frequency). This variant has not been reported in the literature in individuals affected with SGCE-related conditions. Experimental studies and prediction algorithms are not available or were not evaluated, and the functional significance of this variant is currently unknown. In summary, the available evidence is currently insufficient to determine the role of this variant in disease. Therefore, it has been classified as a Variant of Uncertain Significance.

NM_003919.3(SGCE):c.1308T>A (p.Tyr436Ter)

Genes: CASD1 (CAS1 domain sialic acid O acetyltransferase 1; plus strand), SGCE (sarcoglycan epsilon; minus strand). Cytogenetic location: 7q21.3.
Variant type: single nucleotide variant.
Coding change: c.1308T>A on transcript NM_003919.3 (MANE Select); coding-DNA position 1308, T replaced by A.
Protein change: p.Tyr436Ter; replaces tyrosine 436 with a stop codon.
Molecular consequence: nonsense. On other transcripts: missense variant (1).
Genome position (GRCh38, 1-based): chr7:94,585,505, A>T on the plus strand (T>A on the coding strand, the complement: SGCE is on the minus strand). VCF-style: chr7-94585505-A-T. GRCh37 (hg19) VCF-style: chr7-94214817-A-T.
Other names: c.1316T>A, p.Ile439Asn (NM_001099400.2); c.1383T>A, p.Tyr461Ter (NM_001099401.2); c.1185T>A, p.Tyr395Ter (NM_001301139.2); c.1416T>A, p.Tyr472Ter (NM_001346713.2); c.1389T>A, p.Tyr463Ter (NM_001346715.2); c.1281T>A, p.Tyr427Ter (NM_001346717.2); c.1221T>A, p.Tyr407Ter (NM_001346719.2); c.1035T>A, p.Tyr345Ter (NM_001346720.2); and 3 more; short protein forms I439N, Y398*, Y407*, Y472*, Y345*, Y395*, Y427*, Y463*.
Identifiers: ClinVar variation 4723826 (VCV004723826.1).